The following is an entry in ClinVar:

ClinVar aggregate classification (germline): Uncertain significance (1 of 4 stars; one submission).

gnomAD v4.1: 2 of 1,612,574 alleles (0.00012%); highest among the groups gnomAD compares: African/African-American, 0.0027%; no homozygotes.

Submission:

Labcorp Genetics (formerly Invitae), Labcorp
Classification: Uncertain significance. Last evaluated: 2021-11-09. Review status: criteria provided, single submitter. Criteria: Invitae Variant Classification Sherloc (09022015). Collection method: clinical testing. Allele origin: germline.
Comment: This sequence change falls in intron 2 of the CNGA3 gene. It does not directly change the encoded amino acid sequence of the CNGA3 protein. It affects a nucleotide within the consensus splice site. This variant is not present in population databases (gnomAD no frequency). This variant has not been reported in the literature in individuals affected with CNGA3-related conditions. Variants that disrupt the consensus splice site are a relatively common cause of aberrant splicing (PMID: 17576681, 9536098). Algorithms developed to predict the effect of sequence changes on RNA splicing suggest that this variant is not likely to affect RNA splicing. In summary, the available evidence is currently insufficient to determine the role of this variant in disease. Therefore, it has been classified as a Variant of Uncertain Significance.

Literature cited by the submitters: PubMed 17576681; PubMed 9536098.

NM_001298.3(CNGA3):c.102-3T>C

Gene: CNGA3 (cyclic nucleotide gated channel subunit alpha 3; plus strand). Cytogenetic location: 2q11.2.
Variant type: single nucleotide variant.
Coding change: c.102-3T>C on transcript NM_001298.3 (MANE Select); 3 bases into the intron before coding-DNA position 102, T replaced by C.
Molecular consequence: intron variant.
Genome position (GRCh38, 1-based): chr2:98,377,684, T>C. VCF-style: chr2-98377684-T-C. GRCh37 (hg19) VCF-style: chr2-98994147-T-C.
Other names: c.102-3T>C (NM_001079878.2).
Identifiers: ClinVar variation 1491562 (VCV001491562.6), dbSNP rs1175437818, ClinGen allele CA1273410867.